The following is an entry in ClinVar:

NM_014053.4(FLVCR1):c.1631_1632delinsTT (p.Thr544Ile)

Gene: FLVCR1 (FLVCR choline and heme transporter 1; plus strand). Cytogenetic location: 1q32.3.
Variant type: Indel.
Coding change: c.1631_1632delinsTT on transcript NM_014053.4 (MANE Select); coding-DNA positions 1631 to 1632, CG replaced by TT.
Protein change: p.Thr544Ile; replaces threonine 544 with isoleucine.
Molecular consequence: missense variant.
Genome position (GRCh38, 1-based): chr1:212,895,253-212,895,254, CG replaced by TT. VCF-style: chr1-212895253-CG-TT. GRCh37 (hg19) VCF-style: chr1-213068595-CG-TT.
Other names: short protein forms T544I.
Identifiers: ClinVar variation 1425208 (VCV001425208.5), dbSNP rs2102577257, ClinGen allele CA2573131654.

ClinVar aggregate classification (germline): Uncertain significance (1 of 4 stars; one submission).

Submission:

Labcorp Genetics (formerly Invitae), Labcorp
Classification: Uncertain significance. Last evaluated: 2021-04-08. Review status: criteria provided, single submitter. Criteria: Invitae Variant Classification Sherloc (09022015). Collection method: clinical testing. Allele origin: germline.
Comment: Algorithms developed to predict the effect of missense changes on protein structure and function are either unavailable or do not agree on the potential impact of this missense change (SIFT: "Not Available"; PolyPhen-2: "Benign"; Align-GVGD: "Not Available"). This variant has not been reported in the literature in individuals with FLVCR1-related conditions. The frequency data for this variant in the population databases is not available, as this variant may be reported as separate entries in the ExAC database. This sequence change replaces threonine with isoleucine at codon 544 of the FLVCR1 protein (p.Thr544Ile). The threonine residue is weakly conserved and there is a moderate physicochemical difference between threonine and isoleucine. In summary, the available evidence is currently insufficient to determine the role of this variant in disease. Therefore, it has been classified as a Variant of Uncertain Significance.